The following is an entry in ClinVar:

ClinVar aggregate classification (germline): Likely benign (1 of 4 stars; one submission).

Allele frequency attached by ClinVar (database versions not stated): 1000 Genomes Project 0.00120; gnomAD exomes 0.00124; TOPMed 0.00079; gnomAD 0.00082; ESP Exome Variant Server 0.00108; 1000 Genomes Project 30x 0.00109; ExAC 0.00114.
gnomAD v4.1: 1,932 of 1,610,474 alleles (0.12%); highest among the groups gnomAD compares: Middle Eastern, 0.4%; 2 homozygotes.

Submission:

CeGaT Center for Human Genetics Tuebingen
Classification: Likely benign. Last evaluated: 2022-05-01. Review status: criteria provided, single submitter. Criteria: CeGaT Center For Human Genetics Tuebingen Variant Classification Criteria Version 2. Collection method: clinical testing. Allele origin: germline. Affected: yes. Observed: 1 variant allele.
Comment: GOPC: BP4, BP7

NM_020399.4(GOPC):c.1134T>C (p.Asp378=)

Genes: DCBLD1 (discoidin, CUB and LCCL domain containing 1; plus strand), GOPC (golgi associated PDZ and coiled-coil motif containing; minus strand). Cytogenetic location: 6q22.1.
Variant type: single nucleotide variant.
Coding change: c.1134T>C on transcript NM_020399.4 (MANE Select); coding-DNA position 1134, T replaced by C.
Protein change: p.Asp378=; no amino-acid change (aspartic acid 378 retained).
Molecular consequence: synonymous variant. On other transcripts: intron variant (1).
Genome position (GRCh38, 1-based): chr6:117,566,978, A>G on the plus strand (T>C on the coding strand, the complement: GOPC is on the minus strand). VCF-style: chr6-117566978-A-G. GRCh37 (hg19) VCF-style: chr6-117888141-A-G.
Other names: c.1110T>C, p.Asp370= (NM_001017408.3); c.1616-2642A>G (NM_173674.3).
Identifiers: ClinVar variation 2656875 (VCV002656875.22), dbSNP rs114510947, ClinGen allele CA3976728.